The following is an entry in ClinVar:

ClinVar aggregate classification (germline): Uncertain significance (1 of 4 stars; one submission).

Conditions:
Charcot-Marie-Tooth disease dominant intermediate B (CMTDIB). Also called: Charcot-Marie-Tooth disease dominant intermediate 1; CMT DI1; Charcot-Marie-Tooth disease dominant intermediate I; CHARCOT-MARIE-TOOTH NEUROPATHY, DOMINANT INTERMEDIATE B. Identifiers: Orphanet 100044, Orphanet 228179, MedGen C1847902, MONDO:0011674, OMIM 606482.

Submission:

Labcorp Genetics (formerly Invitae), Labcorp
Classification: Uncertain significance for Charcot-Marie-Tooth disease dominant intermediate B. Last evaluated: 2024-09-17. Review status: criteria provided, single submitter. Criteria: Invitae Variant Classification Sherloc (09022015). Collection method: clinical testing. Allele origin: germline.
Comment: This sequence change replaces isoleucine, which is neutral and non-polar, with threonine, which is neutral and polar, at codon 412 of the DNM2 protein (p.Ile412Thr). This variant is not present in population databases (gnomAD no frequency). This variant has not been reported in the literature in individuals affected with DNM2-related conditions. ClinVar contains an entry for this variant (Variation ID: 1348430). Invitae Evidence Modeling of protein sequence and biophysical properties (such as structural, functional, and spatial information, amino acid conservation, physicochemical variation, residue mobility, and thermodynamic stability) has been performed for this missense variant. However, the output from this modeling did not meet the statistical confidence thresholds required to predict the impact of this variant on DNM2 protein function. In summary, the available evidence is currently insufficient to determine the role of this variant in disease. Therefore, it has been classified as a Variant of Uncertain Significance.

NM_001005361.3(DNM2):c.1196+660T>C

Gene: DNM2 (dynamin 2; plus strand). Cytogenetic location: 19p13.2.
Variant type: single nucleotide variant.
Coding change: c.1196+660T>C on transcript NM_001005361.3 (MANE Select); 660 bases into the intron after coding-DNA position 1196, T replaced by C.
Molecular consequence: intron variant. On other transcripts: missense variant (3).
Genome position (GRCh38, 1-based): chr19:10,796,099, T>C. VCF-style: chr19-10796099-T-C. GRCh37 (hg19) VCF-style: chr19-10906775-T-C.
Other names: c.1235T>C, p.Ile412Thr (NM_001005360.3, NM_001190716.2, NM_004945.4); c.1196+660T>C (NM_001005362.3); short protein forms I412T.
Identifiers: ClinVar variation 1348430 (VCV001348430.8), dbSNP rs2146025971, ClinGen allele CA404048723.